The following is an entry in ClinVar:

ClinVar aggregate classification (germline): Conflicting classifications of pathogenicity. Review status: criteria provided, conflicting classifications (1 of 4 stars). 2 submissions from 2 submitters: Uncertain significance (1); Likely benign (1). Last evaluated 2025-01-14.

Conditions:
Neuroblastoma, susceptibility to, 3. Also called: ALK-Related Neuroblastic Tumor Susceptibility. Identifiers: Orphanet 635, MedGen C2751681, MONDO:0013083, OMIM 613014.
Hereditary cancer-predisposing syndrome. Also called: Neoplastic Syndromes, Hereditary; Tumor predisposition; Hereditary Cancer Syndrome; Hereditary neoplastic syndrome. Identifiers: Orphanet 140162, MedGen C0027672, MeSH D009386, MONDO:0015356.

gnomAD v4.1: 1 of 1,614,228 alleles (0.000062%); highest among the groups gnomAD compares: Non-Finnish European, 0.000085%; no homozygotes.

Submissions (2):

Ambry Genetics
Classification: Likely benign for Hereditary cancer-predisposing syndrome. Last evaluated: 2025-01-14. Review status: criteria provided, single submitter. Criteria: Ambry Variant Classification Scheme 2023. Collection method: clinical testing. Allele origin: germline.

Labcorp Genetics (formerly Invitae), Labcorp
Classification: Uncertain significance for Neuroblastoma, susceptibility to, 3. Last evaluated: 2024-04-09. Review status: criteria provided, single submitter. Criteria: Invitae Variant Classification Sherloc (09022015). Collection method: clinical testing. Allele origin: germline.
Comment: This sequence change replaces serine, which is neutral and polar, with asparagine, which is neutral and polar, at codon 1501 of the ALK protein (p.Ser1501Asn). This variant is present in population databases (rs766221098, gnomAD 0.0009%). This variant has not been reported in the literature in individuals affected with ALK-related conditions. An algorithm developed to predict the effect of missense changes on protein structure and function (PolyPhen-2) suggests that this variant is likely to be tolerated. In summary, the available evidence is currently insufficient to determine the role of this variant in disease. Therefore, it has been classified as a Variant of Uncertain Significance.

NM_004304.5(ALK):c.4502G>A (p.Ser1501Asn)

Gene: ALK (ALK receptor tyrosine kinase; minus strand). Cytogenetic location: 2p23.2.
Variant type: single nucleotide variant.
Coding change: c.4502G>A on transcript NM_004304.5 (MANE Select); coding-DNA position 4502, G replaced by A.
Protein change: p.Ser1501Asn; replaces serine 1501 with asparagine.
Molecular consequence: missense variant.
Genome position (GRCh38, 1-based): chr2:29,193,585, C>T on the plus strand (G>A on the coding strand, the complement: ALK is on the minus strand). VCF-style: chr2-29193585-C-T. GRCh37 (hg19) VCF-style: chr2-29416451-C-T.
Other names: c.1298G>A, p.Ser433Asn (NM_001353765.2); c.4502G>A (NM_004304.4); short protein forms S1501N, S433N.
Identifiers: ClinVar variation 3619227 (VCV003619227.3).